The following is an entry in ClinVar:

ClinVar aggregate classification (germline): Likely pathogenic (1 of 4 stars; one submission).

Conditions:
Charcot-Marie-Tooth disease type 2. Also called: Charcot-Marie-Tooth type 2. Identifiers: Orphanet 64746, MedGen C0270914, MONDO:0018993.

Allele frequency attached by ClinVar (database versions not stated): TOPMed below 0.00001; gnomAD exomes below 0.00001.
gnomAD v4.1: 1 of 1,614,134 alleles (0.000062%); highest among the groups gnomAD compares: Non-Finnish European, 0.000085%; no homozygotes.

Submission:

Labcorp Genetics (formerly Invitae), Labcorp
Classification: Likely pathogenic for Charcot-Marie-Tooth disease type 2. Last evaluated: 2023-10-23. Review status: criteria provided, single submitter. Criteria: Invitae Variant Classification Sherloc (09022015). Collection method: clinical testing. Allele origin: germline.
Comment: This sequence change affects an acceptor splice site in intron 14 of the MFN2 gene. It is expected to disrupt RNA splicing. Variants that disrupt the donor or acceptor splice site typically lead to a loss of protein function (PMID: 16199547), and loss-of-function variants in MFN2 are known to be pathogenic (PMID: 16714318, 16835246, 21715711, 23781337, 26955893). This variant is present in population databases (no rsID available, gnomAD 0.0009%). This variant has not been reported in the literature in individuals affected with MFN2-related conditions. ClinVar contains an entry for this variant (Variation ID: 2039615). Algorithms developed to predict the effect of sequence changes on RNA splicing suggest that this variant may disrupt the consensus splice site. In summary, the currently available evidence indicates that the variant is pathogenic, but additional data are needed to prove that conclusively. Therefore, this variant has been classified as Likely Pathogenic.

Literature cited by the submitters: PubMed 16199547; PubMed 16714318; PubMed 16835246; PubMed 21715711; PubMed 23781337; PubMed 26955893.

NM_014874.4(MFN2):c.1496-2A>G

Gene: MFN2 (mitofusin 2; plus strand). Cytogenetic location: 1p36.22.
Variant type: single nucleotide variant.
Coding change: c.1496-2A>G on transcript NM_014874.4 (MANE Select); the canonical splice acceptor site of the intron before coding-DNA position 1496, A replaced by G.
Molecular consequence: splice acceptor variant.
Genome position (GRCh38, 1-based): chr1:12,005,709, A>G. VCF-style: chr1-12005709-A-G. GRCh37 (hg19) VCF-style: chr1-12065766-A-G.
Other names: c.1496-2A>G (NM_001127660.2).
Identifiers: ClinVar variation 2039615 (VCV002039615.4), dbSNP rs1483207355, ClinGen allele CA338447812.